The following is an entry in ClinVar:

ClinVar aggregate classification (germline): Conflicting classifications of pathogenicity. Review status: criteria provided, conflicting classifications (1 of 4 stars). 2 submissions from 2 submitters: Uncertain significance (1); Likely benign (1). Last evaluated 2021-03-23.

Conditions:
Familial thoracic aortic aneurysm and aortic dissection (TAAD). Also called: Thoracic aortic aneurysms and dissections. Identifiers: Orphanet 91387, MedGen C4707243, MONDO:0019625.

Submissions (2):

Ambry Genetics
Classification: Likely benign for Familial thoracic aortic aneurysm and aortic dissection. Last evaluated: 2021-03-23. Review status: criteria provided, single submitter. Criteria: Ambry Variant Classification Scheme 2023. Collection method: clinical testing. Allele origin: germline.

GeneDx
Classification: Uncertain significance. Last evaluated: 2021-01-12. Review status: criteria provided, single submitter. Criteria: GeneDx Variant Classification Process June 2021. Collection method: clinical testing. Allele origin: germline. Affected: yes.
Comment: Has not been previously published as pathogenic or benign to our knowledge; Not observed in large population cohorts (Lek et al., 2016); In-frame insertion of 2 amino acids in a repetitive region with no known function

NM_000093.5(COL5A1):c.67CTG[8] (p.Leu27_Leu28dup)

Gene: COL5A1 (collagen type V alpha 1 chain; plus strand). Cytogenetic location: 9q34.3.
Variant type: Microsatellite.
Coding change: c.67CTG[8] on transcript NM_000093.5 (MANE Select); eight copies in a row of the 3-base unit CTG starting at c.67; the reference has six copies in a row; two copies, 6 bases duplicated.
Protein change: p.Leu27_Leu28dup.
Molecular consequence: inframe insertion.
Genome position (GRCh38, 1-based): chr9:134,642,266-134,642,271, CTGCTG duplicated; duplicating any 6 consecutive bases within chr9:134,642,253-134,642,271 gives the same sequence; the position shown is the placement nearest the transcript's 3' end. VCF-style (leftmost placement, unchanged base first): chr9-134642252-C-CGCTGCT. GRCh37 (hg19) VCF-style: chr9-137534098-C-CGCTGCT.
Other names: c.79_84dupCTGCTG (NM_000093.3); c.67CTG[8], p.Leu27_Leu28dup (NM_001278074.1).
Identifiers: ClinVar variation 1315839 (VCV001315839.4), dbSNP rs773994971, ClinGen allele CA1883285402.